The following is an entry in ClinVar:

ClinVar aggregate classification (germline): Conflicting classifications of pathogenicity. Review status: criteria provided, conflicting classifications (1 of 4 stars). 6 submissions from 6 submitters: Uncertain significance (1); Likely benign (4). 1 of the submissions does not count toward it. Last evaluated 2026-04-28.

Conditions:
Glutathione synthetase deficiency with 5-oxoprolinuria. Also called: Gluthathione synthetase deficiency; 5-Oxoprolinuria; Reduced glutathione synthetase level; 5-OXOPROLINURIA DUE TO GLUTATHIONE SYNTHETASE DEFICIENCY; PYROGLUTAMIC ACIDURIA. Identifiers: Orphanet 289846, MedGen C0398746, MONDO:0009947, OMIM 266130, HP:0003343.
Inherited glutathione synthetase deficiency. Identifiers: Orphanet 32, MedGen C5979912, MONDO:0017909.
GSS-related disorder. Also called: GSS-related condition.

Allele frequency attached by ClinVar (database versions not stated): 1000 Genomes Project 30x 0.00031; 1000 Genomes Project 0.00040; ESP Exome Variant Server 0.00046; TOPMed 0.00090; gnomAD exomes 0.00097 and 0.00127; ExAC 0.00122; gnomAD 0.00132 and 0.00138.
gnomAD v4.1: 1,594 of 1,614,144 alleles (0.099%); highest among the groups gnomAD compares: Admixed American, 0.23%; no homozygotes.

Submissions (6):

Women's Health and Genetics/Laboratory Corporation of America, LabCorp
Classification: Likely benign. Last evaluated: 2026-04-28. Review status: criteria provided, single submitter. Criteria: LabCorp Variant Classification Summary - May 2015. Collection method: clinical testing. Allele origin: germline.
Comment: Variant summary: GSS c.988C>T (p.Arg330Cys) results in a non-conservative amino acid change in the encoded protein sequence. Algorithms developed to predict the effect of missense changes on protein structure and function all suggest that this variant is likely to be disruptive. The variant allele was found at a frequency of 0.0013 in 251130 control chromosomes, predominantly at a frequency of 0.0054 within the Latino subpopulation in the gnomAD database. The observed variant frequency within Latino control individuals in the gnomAD database exceeds the estimated maximal expected allele frequency for disease-causing variants in GSS. c.988C>T has been observed in individual(s) affected with Glutathione Synthetase Deficiency (Dahl_1997). These report(s) do not provide unequivocal conclusions about association of the variant with Glutathione Synthetase Deficiency. To our knowledge, no experimental evidence demonstrating an impact on protein function has been reported. The following publication has been ascertained in the context of this evaluation (PMID: 9215686). ClinVar contains an entry for this variant (Variation ID: 897215). Based on the evidence outlined above, the variant was classified as likely benign.

Labcorp Genetics (formerly Invitae), Labcorp
Classification: Likely benign for Glutathione synthetase deficiency with 5-oxoprolinuria. Last evaluated: 2026-01-26. Review status: criteria provided, single submitter. Criteria: Invitae Variant Classification Sherloc (09022015). Collection method: clinical testing. Allele origin: germline.

Mayo Clinic Laboratories, Mayo Clinic
Classification: Uncertain significance. Last evaluated: 2022-05-06. Review status: criteria provided, single submitter. Criteria: ACMG Guidelines, 2015. Collection method: clinical testing. Allele origin: germline. Observed: 2 variant alleles.
Comment: PP3

Illumina Laboratory Services, Illumina
Classification: Likely benign for Glutathione synthetase deficiency with 5-oxoprolinuria. Last evaluated: 2017-04-27. Review status: criteria provided, single submitter. Criteria: ICSL Variant Classification Criteria 13 December 2019. Collection method: clinical testing. Allele origin: germline.
Comment: This variant was observed as part of a predisposition screen in an ostensibly healthy population. A literature search was performed for the gene, cDNA change, and amino acid change (where applicable). No publications were found based on this search. Allele frequency data from public databases allowed determination this variant is unlikely to cause disease. Therefore, this variant is classified as likely benign.

Breakthrough Genomics
Classification: Likely benign. Review status: criteria provided, single submitter. Criteria: ACMG Guidelines, 2015. Collection method: not provided. Allele origin: germline. Inheritance: Autosomal recessive inheritance. Affected: yes.

PreventionGenetics, part of Exact Sciences
Classification: Likely benign for GSS-related condition. Last evaluated: 2022-01-07. Review status: no assertion criteria provided. Collection method: clinical testing. Allele origin: germline. Not counted in ClinVar's aggregate classification.
Comment: This variant is classified as likely benign based on ACMG/AMP sequence variant interpretation guidelines (Richards et al. 2015 PMID: 25741868, with internal and published modifications).

Literature cited by the submitters: PubMed 9215686 (cited by Women's Health and Genetics/Laboratory Corporation of America, LabCorp and Mayo Clinic Laboratories, Mayo Clinic); PubMed 10369661 (cited by Mayo Clinic Laboratories, Mayo Clinic); PubMed 10861239 (cited by Mayo Clinic Laboratories, Mayo Clinic); PubMed 11445798 (cited by Mayo Clinic Laboratories, Mayo Clinic); PubMed 15717202 (cited by Mayo Clinic Laboratories, Mayo Clinic).

NM_000178.4(GSS):c.988C>T (p.Arg330Cys)

Gene: GSS (glutathione synthetase; minus strand). Cytogenetic location: 20q11.22.
Variant type: single nucleotide variant.
Coding change: c.988C>T on transcript NM_000178.4 (MANE Select); coding-DNA position 988, C replaced by T.
Protein change: p.Arg330Cys; replaces arginine 330 with cysteine.
Molecular consequence: missense variant.
Genome position (GRCh38, 1-based): chr20:34,931,980, G>A on the plus strand (C>T on the coding strand, the complement: GSS is on the minus strand). VCF-style: chr20-34931980-G-A. GRCh37 (hg19) VCF-style: chr20-33519783-G-A.
Other names: p.Arg330Cys; c.988C>T, p.Arg330Cys (NM_001322494.1, NM_001322495.1); c.988C>T (NM_000178.3); short protein forms R330C.
Identifiers: ClinVar variation 897215 (VCV000897215.16), dbSNP rs148640446, ClinGen allele CA9825919.